The following is an entry in ClinVar:

ClinVar aggregate classification (germline): Uncertain significance (1 of 4 stars; one submission).

gnomAD v4.1: 37 of 1,614,036 alleles (0.0023%); highest among the groups gnomAD compares: Non-Finnish European, 0.0031%; no homozygotes.

Submission:

Labcorp Genetics (formerly Invitae), Labcorp
Classification: Uncertain significance. Last evaluated: 2024-05-02. Review status: criteria provided, single submitter. Criteria: Invitae Variant Classification Sherloc (09022015). Collection method: clinical testing. Allele origin: germline.
Comment: This sequence change replaces lysine, which is basic and polar, with arginine, which is basic and polar, at codon 337 of the ALB protein (p.Lys337Arg). This variant is present in population databases (rs564591733, gnomAD 0.004%). This variant has not been reported in the literature in individuals affected with ALB-related conditions. Advanced modeling of protein sequence and biophysical properties (such as structural, functional, and spatial information, amino acid conservation, physicochemical variation, residue mobility, and thermodynamic stability) performed at Invitae indicates that this missense variant is expected to disrupt ALB protein function with a positive predictive value of 80%. In summary, the available evidence is currently insufficient to determine the role of this variant in disease. Therefore, it has been classified as a Variant of Uncertain Significance.

NM_000477.7(ALB):c.1010A>G (p.Lys337Arg)

Gene: ALB (albumin; plus strand). Cytogenetic location: 4q13.3.
Variant type: single nucleotide variant.
Coding change: c.1010A>G on transcript NM_000477.7 (MANE Select); coding-DNA position 1010, A replaced by G.
Protein change: p.Lys337Arg; replaces lysine 337 with arginine.
Molecular consequence: missense variant.
Genome position (GRCh38, 1-based): chr4:73,413,586, A>G. VCF-style: chr4-73413586-A-G. GRCh37 (hg19) VCF-style: chr4-74279303-A-G.
Other names: short protein forms K337R.
Identifiers: ClinVar variation 3712662 (VCV003712662.2).